The following is an entry in ClinVar:

ClinVar aggregate classification (germline): Uncertain significance. Review status: criteria provided, multiple submitters, no conflicts (2 of 4 stars). 2 submissions from 2 submitters: Uncertain significance (2). Last evaluated 2024-11-27.

Conditions:
Inborn genetic diseases. Identifiers: MedGen C0950123, MeSH D030342.

Allele frequency attached by ClinVar (database versions not stated): gnomAD exomes 0.00001.
gnomAD v4.1: 4 of 1,613,170 alleles (0.00025%); highest among the groups gnomAD compares: Non-Finnish European, 0.00034%; no homozygotes.

Submissions (2):

Ambry Genetics
Classification: Uncertain significance for Inborn genetic diseases. Last evaluated: 2024-11-27. Review status: criteria provided, single submitter. Criteria: Ambry Variant Classification Scheme 2023. Collection method: clinical testing. Allele origin: germline.
Comment: The p.D88H variant (also known as c.262G>C), located in coding exon 2 of the ERCC6L2 gene, results from a G to C substitution at nucleotide position 262. The aspartic acid at codon 88 is replaced by histidine, an amino acid with similar properties. This amino acid position is conserved. In addition, the in silico prediction for this alteration is inconclusive. Based on the available evidence, the clinical significance of this variant remains unclear.

Labcorp Genetics (formerly Invitae), Labcorp
Classification: Uncertain significance. Last evaluated: 2022-07-05. Review status: criteria provided, single submitter. Criteria: Invitae Variant Classification Sherloc (09022015). Collection method: clinical testing. Allele origin: germline.
Comment: This sequence change replaces aspartic acid, which is acidic and polar, with histidine, which is basic and polar, at codon 99 of the ERCC6L2 protein (p.Asp99His). In summary, the available evidence is currently insufficient to determine the role of this variant in disease. Therefore, it has been classified as a Variant of Uncertain Significance. Algorithms developed to predict the effect of missense changes on protein structure and function are either unavailable or do not agree on the potential impact of this missense change (SIFT: "Deleterious"; PolyPhen-2: "Not Available"; Align-GVGD: "Class C0"). This variant has not been reported in the literature in individuals affected with ERCC6L2-related conditions. This variant is not present in population databases (gnomAD no frequency).

NM_020207.7(ERCC6L2):c.262G>C (p.Asp88His)

Gene: ERCC6L2 (ERCC excision repair 6 like 2; plus strand). Cytogenetic location: 9q22.32.
Variant type: single nucleotide variant.
Coding change: c.262G>C on transcript NM_020207.7 (MANE Select); coding-DNA position 262, G replaced by C.
Protein change: p.Asp88His; replaces aspartic acid 88 with histidine.
Molecular consequence: missense variant. On other transcripts: non-coding transcript variant (1).
Genome position (GRCh38, 1-based): chr9:95,881,084, G>C. VCF-style: chr9-95881084-G-C. GRCh37 (hg19) VCF-style: chr9-98643366-G-C.
Other names: c.262G>C, p.Asp88His (NM_001010895.4, NM_001375291.1, NM_001375292.1 and 2 more transcripts); short protein forms D88H.
Identifiers: ClinVar variation 2053591 (VCV002053591.3), dbSNP rs2490184892, ClinGen allele CA374117399.